The following is an entry in ClinVar:

NM_000256.3(MYBPC3):c.1927+600C>T

Gene: MYBPC3 (myosin binding protein C3; minus strand). Cytogenetic location: 11p11.2.
Variant type: single nucleotide variant.
Coding change: c.1927+600C>T on transcript NM_000256.3 (MANE Select); 600 bases into the intron after coding-DNA position 1927, C replaced by T.
Molecular consequence: intron variant.
Genome position (GRCh38, 1-based): chr11:47,340,403, G>A on the plus strand (C>T on the coding strand, the complement: MYBPC3 is on the minus strand). VCF-style: chr11-47340403-G-A. GRCh37 (hg19) VCF-style: chr11-47361954-G-A.
Identifiers: ClinVar variation 692114 (VCV000692114.10), dbSNP rs1595845204, ClinGen allele CA915948152.

ClinVar aggregate classification (germline): Pathogenic/Likely pathogenic. Review status: criteria provided, multiple submitters, no conflicts (2 of 4 stars). 5 submissions from 5 submitters: Pathogenic (2); Likely pathogenic (2). 1 of the submissions does not count toward it. Last evaluated 2024-05-29.

Conditions:
Hypertrophic cardiomyopathy 4. Also called: Familial hypertrophic cardiomyopathy 4. Identifiers: MedGen C1861862, MONDO:0007268, OMIM 115197.
Left ventricular noncompaction 10 (LVNC10). Identifiers: Orphanet 154, Orphanet 54260, MedGen C3715165, MONDO:0014163, OMIM 615396.
Cardiovascular phenotype. Identifiers: MedGen CN230736.
Hypertrophic cardiomyopathy. Also called: HYPERTROPHIC MYOCARDIOPATHY. Identifiers: Orphanet 217569, MedGen C0007194, MeSH D002312, MONDO:0005045, HP:0001639.

Submissions (5):

Molecular Diagnostic Laboratory for Inherited Cardiovascular Disease, Montreal Heart Institute
Classification: Pathogenic for Cardiovascular phenotype. Last evaluated: 2024-05-29. Review status: criteria provided, single submitter. Criteria: ACMG Guidelines, 2015. Collection method: clinical testing. Allele origin: germline. Affected: yes.
Comment: PVS1, PS4_mod, PM2, PP1_mod, PP5

Department of Human Genetics, Hannover Medical School
Classification: Pathogenic for Hypertrophic cardiomyopathy 4. Last evaluated: 2024-03-18. Review status: criteria provided, single submitter. Criteria: ACMG Guidelines, 2015. Collection method: clinical testing. Allele origin: germline. Affected: yes.

New York Genome Center
Classification: Likely pathogenic for Left ventricular noncompaction 10; Hypertrophic cardiomyopathy 4. Last evaluated: 2022-04-15. Review status: criteria provided, single submitter. Criteria: NYGC Assertion Criteria 2020. Collection method: clinical testing. Allele origin: germline. Observed: 1 heterozygote.
Comment: The c.1927+600C>T deep intronic variant located in intron 20 (of 34) of the MYBPC3 gene has previously been reported in 4 families with a confirmed clinical diagnosis of hypertrophic cardiomyopathy with atrial fibrillation [PMID: 31730716]. In one family, the variant was tested in 4 affected and one unaffected family member and co-segregated with the disease [PMID: 31730716]. Information about size of the remaining three families was not provided [PMID: 31730716]. Thec.1927+600C>T variant is absent from population databases (gnomAD v3.1.2, TOPMed Freeze 8, All of Us), suggesting it is not a common benign variant in the populations represented in those databases. In silico tools provide conflicting predictions about impact of c.1927+600C>T on mRNA splicing [Transcript inferred Pathogenicity (TraP) score is 0.595 predicting the variant as “probably damaging”. SpliceAI score is 0.13 predicting the variant has no impact on splicing]. In vitro functional studies using a minigene expression assay showed the inclusion of 94 bp of intron 20 sequence resulting in a frameshift and premature stop codon predicted to subject the aberrant transcripts to nonsense mediated mRNA decay [PMID: 31730716]. The inclusion of 94 bp intronic sequence was further confirmed by analyzing mRNA extracted from blood samples of patients carrying the c.1927+600C>T variant [PMID: 31730716]. Moreover, the relative and absolute quantification of the residual amount of normal mRNA splicing revealed a decrease of about 60% of normal transcript levels. Based on available evidence, the c.1927+600C>T deep intronic variant identified in MYBPC3 is classified here as Likely Pathogenic.

Juno Genomics, Hangzhou Juno Genomics, Inc
Classification: Likely pathogenic for Hypertrophic cardiomyopathy 4. Review status: criteria provided, single submitter. Criteria: ACMG Guidelines, 2015. Collection method: clinical testing. Allele origin: germline. Affected: yes.
Comment: Absent from controls (or at extremely low frequency if recessive) in Genome Aggregation Database, Exome Sequencing Project, 1000 Genomes Project, or Exome Aggregation Consortium.;Well-established in vitro or in vivo functional studies supportive of a damaging effect on the gene or gene product.;The prevalence of the variant in affected individuals is significantly increased compared to the prevalence in controls.;Co-segregation with disease in multiple affected family members in a gene definitively known to cause the disease.;Patient's phenotype or family history is highly specific for a disease with a single genetic etiology.

Molecular Cardiogenetic Lab, Hospices Civils de Lyon
Classification: Pathogenic for Hypertrophic Cardiomyopathy. Last evaluated: 2019-10-17. Review status: no assertion criteria provided. Collection method: in vitro. Allele origin: not applicable. Inheritance: Autosomal dominant inheritance. Not counted in ClinVar's aggregate classification.

Literature cited by the submitters: PubMed 31730716 (cited by Molecular Cardiogenetic Lab, Hospices Civils de Lyon).